The following is an entry in ClinVar:

NM_032043.3(BRIP1):c.2607G>A (p.Gln869=)

Gene: BRIP1 (BRCA1 interacting DNA helicase 1; minus strand). Cytogenetic location: 17q23.2.
Variant type: single nucleotide variant.
Coding change: c.2607G>A on transcript NM_032043.3 (MANE Select); coding-DNA position 2607, G replaced by A.
Protein change: p.Gln869=; no amino-acid change (glutamine 869 retained).
Molecular consequence: synonymous variant.
Genome position (GRCh38, 1-based): chr17:61,686,134, C>T on the plus strand (G>A on the coding strand, the complement: BRIP1 is on the minus strand). VCF-style: chr17-61686134-C-T. GRCh37 (hg19) VCF-style: chr17-59763495-C-T.
Identifiers: ClinVar variation 3378772 (VCV003378772.2).

ClinVar aggregate classification (germline): Benign/Likely benign. Review status: criteria provided, multiple submitters, no conflicts (2 of 4 stars). 2 submissions from 2 submitters: Benign (1); Likely benign (1). Last evaluated 2024-11-20.

Conditions:
Hereditary cancer-predisposing syndrome. Also called: Neoplastic Syndromes, Hereditary; Tumor predisposition; Hereditary Cancer Syndrome; Hereditary neoplastic syndrome. Identifiers: Orphanet 140162, MedGen C0027672, MeSH D009386, MONDO:0015356.
Familial cancer of breast. Also called: hereditary breast carcinoma; Hereditary breast cancer; BREAST CANCER, FAMILIAL. Identifiers: Orphanet 227535, MedGen C0346153, MONDO:0016419, OMIM 114480. Disease mechanism: loss of function.

Submissions (2):

Ambry Genetics
Classification: Likely benign for Hereditary cancer-predisposing syndrome. Last evaluated: 2024-11-20. Review status: criteria provided, single submitter. Criteria: Ambry Variant Classification Scheme 2023. Collection method: clinical testing. Allele origin: germline.

Myriad Genetics, Inc.
Classification: Benign for Familial cancer of breast. Last evaluated: 2024-09-05. Review status: criteria provided, single submitter. Criteria: Myriad Autosomal Dominant, Autosomal Recessive and X-Linked Classification Criteria (2023). Collection method: clinical testing. Allele origin: unknown.
Comment: This variant is considered benign. This variant is a silent/synonymous amino acid change and it is not expected to impact splicing.